The following is an entry in ClinVar:

ClinVar aggregate classification (germline): Likely benign. Review status: criteria provided, multiple submitters, no conflicts (2 of 4 stars). 2 submissions from 2 submitters: Likely benign (2). Last evaluated 2024-11-14.

Allele frequency attached by ClinVar (database versions not stated): ExAC 0.00001; gnomAD 0.00002; gnomAD exomes 0.00002; TOPMed 0.00002.
gnomAD v4.1: 30 of 1,608,974 alleles (0.0019%); highest among the groups gnomAD compares: Admixed American, 0.0034%; no homozygotes.

Submissions (2):

Blueprint Genetics
Classification: Likely benign. Last evaluated: 2024-11-14. Review status: criteria provided, single submitter. Criteria: ACMG Guidelines, 2015. Collection method: clinical testing. Allele origin: germline.

CeGaT Center for Human Genetics Tuebingen
Classification: Likely benign. Last evaluated: 2024-07-01. Review status: criteria provided, single submitter. Criteria: CeGaT Center For Human Genetics Tuebingen Variant Classification Criteria Version 2. Collection method: clinical testing. Allele origin: germline. Affected: yes. Observed: 2 variant alleles.
Comment: SYT1: BP4, BP7

NM_005639.3(SYT1):c.480G>A (p.Leu160=)

Gene: SYT1 (synaptotagmin 1; plus strand). Cytogenetic location: 12q21.2.
Variant type: single nucleotide variant.
Coding change: c.480G>A on transcript NM_005639.3 (MANE Select); coding-DNA position 480, G replaced by A.
Protein change: p.Leu160=; no amino-acid change (leucine 160 retained).
Molecular consequence: synonymous variant.
Genome position (GRCh38, 1-based): chr12:79,296,074, G>A. VCF-style: chr12-79296074-G-A. GRCh37 (hg19) VCF-style: chr12-79689854-G-A.
Other names: c.480G>A, p.Leu160= (NM_001135805.2, NM_001135806.2, NM_001415938.1 and 2 more transcripts); c.471G>A, p.Leu157= (NM_001291901.2, NM_001415941.1, NM_001415942.1 and 1 more transcripts).
Identifiers: ClinVar variation 2643186 (VCV002643186.25), dbSNP rs755672472, ClinGen allele CA6698842.